The following is an entry in ClinVar:

NM_002691.4(POLD1):c.1776-20CG[3]

Gene: POLD1 (DNA polymerase delta 1, catalytic subunit; plus strand). Cytogenetic location: 19q13.33.
Variant type: Microsatellite.
Coding change: c.1776-20CG[3] on transcript NM_002691.4 (MANE Select); three copies in a row of the 2-base unit CG starting at c.1776-20; the reference has two copies in a row; one copy, 2 bases duplicated.
Molecular consequence: intron variant. On other transcripts: frameshift variant (2).
Genome position (GRCh38, 1-based): chr19:50,408,767-50,408,768, CG duplicated; duplicating any 2 consecutive bases within chr19:50,408,765-50,408,768 gives the same sequence; the position shown is the placement nearest the transcript's 3' end. VCF-style (leftmost placement, unchanged base first): chr19-50408764-C-CCG. GRCh37 (hg19) VCF-style: chr19-50912021-C-CCG.
Other names: c.1836_1837dup, p.Gly613fs (NM_001308632.1); c.1776-20CG[3] (NM_001256849.1); c.1836_1837dupCG (NM_001308632.1); short protein forms G613fs.
Identifiers: ClinVar variation 2633043 (VCV002633043.1), dbSNP rs2514010768, ClinGen allele CA2695201363.

ClinVar aggregate classification (germline): Uncertain significance (1 of 4 stars; one submission).

Conditions:
POLD1-related disorder. Also called: POLD1-related condition; POLD1-related disorders.

Submission:

PreventionGenetics, part of Exact Sciences
Classification: Uncertain significance for POLD1-related condition. Last evaluated: 2023-05-11. Review status: criteria provided, single submitter. Criteria: ACMG Guidelines, 2015. Collection method: clinical testing. Allele origin: germline.
Comment: The POLD1 c.1836_1837dupCG variant is predicted to result in a frameshift and premature protein termination (p.Gly613Alafs*26). Utilizing an alternative transcript (NM_002691), this variant is referred to as c.1776-18_1776-17dupGC (Intronic), which is not predicted to alter splicing based on available splicing prediction programs (Alamut Visual Plus v1.6.1). To our knowledge, this variant has not been reported in the literature or in a large population database, indicating this variant is rare. At this time, the clinical significance of this variant is uncertain due to the absence of conclusive functional and genetic evidence.